The following is an entry in ClinVar:

ClinVar aggregate classification (germline): Uncertain significance. Review status: criteria provided, multiple submitters, no conflicts (2 of 4 stars). 2 submissions from 2 submitters: Uncertain significance (2). Last evaluated 2026-04-28.

Conditions:
Cardiovascular phenotype. Identifiers: MedGen CN230736.
Myofibrillar myopathy 4. Also called: Zaspopathy (type). Identifiers: Orphanet 98912, MedGen C4721886, MONDO:0012277, OMIM 609452.

Submissions (2):

Ambry Genetics
Classification: Uncertain significance for Cardiovascular phenotype. Last evaluated: 2026-04-28. Review status: criteria provided, single submitter. Criteria: Ambry Variant Classification Scheme 2023. Collection method: clinical testing. Allele origin: germline.
Comment: The c.1446_1454delGGAGCCTGC variant (also known as p.E483_A485del) is located in coding exon 9 of the LDB3 gene. This variant results from an in-frame GGAGCCTGC deletion at nucleotide positions 1446 to 1454. This results in the in-frame deletion of three amino acids (EPA) between codons 483 to 485. This amino acid positions are poorly conserved in available vertebrate species. In addition, the in silico prediction for this variant is inconclusive (Choi Y et al. PLoS ONE. 2012; 7(10):e46688). Based on the available evidence, the clinical significance of this variant remains unclear.

Labcorp Genetics (formerly Invitae), Labcorp
Classification: Uncertain significance for Myofibrillar myopathy 4. Last evaluated: 2025-11-27. Review status: criteria provided, single submitter. Criteria: Invitae Variant Classification Sherloc (09022015). Collection method: clinical testing. Allele origin: germline.
Comment: The LDB3 gene has multiple clinically relevant transcripts. This variant occurs in alternate transcript NM_007078.3, and corresponds to NM_001080116.1:c.*17167_*17175del in the primary transcript. This variant, c.1446_1454del, results in the deletion of 3 amino acid(s) of the LDB3 protein (p.Glu483_Ala485del), but otherwise preserves the integrity of the reading frame. This variant is not present in population databases (gnomAD no frequency). This variant has not been reported in the literature in individuals affected with LDB3-related conditions. Experimental studies and prediction algorithms are not available or were not evaluated, and the functional significance of this variant is currently unknown. In summary, the available evidence is currently insufficient to determine the role of this variant in disease. Therefore, it has been classified as a Variant of Uncertain Significance.

NM_007078.3(LDB3):c.1446_1454del (p.Glu483_Ala485del)

Gene: LDB3 (LIM domain binding 3; plus strand). Cytogenetic location: 10q23.2.
Variant type: Deletion.
Coding change: c.1446_1454del on transcript NM_007078.3 (MANE Select); coding-DNA positions 1446 to 1454, 9 bases deleted (GGAGCCTGC; older notation c.1446_1454delGGAGCCTGC).
Protein change: p.Glu483_Ala485del.
Molecular consequence: inframe deletion.
Genome position (GRCh38, 1-based): chr10:86,716,541-86,716,549, GGAGCCTGC deleted; deleting any 9 consecutive bases within chr10:86,716,536-86,716,549 gives the same sequence; the c. name uses the placement nearest the transcript's 3' end. VCF-style (leftmost placement, unchanged base first): chr10-86716535-CCCTGCGGAG-C. GRCh37 (hg19) VCF-style: chr10-88476292-CCCTGCGGAG-C.
Other names: c.1116_1124del, p.Glu373_Ala375del (NM_001080114.2); c.1461_1469del, p.Glu488_Ala490del (NM_001171610.2); c.1257_1265del, p.Glu420_Ala422del (NM_001368064.1, NM_001368065.1); c.1305_1313del, p.Glu436_Ala438del (NM_001368066.1); c.1446_1454delGGAGCCTGC (NM_007078.2).
Identifiers: ClinVar variation 1419165 (VCV001419165.7), dbSNP rs1398383245, ClinGen allele CA669471224.